The following is an entry in ClinVar:

NM_001386188.2(CENPI):c.1436C>T (p.Ala479Val)

Gene: CENPI (centromere protein I; plus strand). Cytogenetic location: Xq22.1.
Variant type: single nucleotide variant.
Coding change: c.1436C>T on transcript NM_001386188.2 (MANE Select); coding-DNA position 1436, C replaced by T.
Protein change: p.Ala479Val; replaces alanine 479 with valine.
Molecular consequence: missense variant.
Genome position (GRCh38, 1-based): chrX:101,132,422, C>T. VCF-style: chrX-101132422-C-T. GRCh37 (hg19) VCF-style: chrX-100387411-C-T.
Other names: c.1436C>T, p.Ala479Val (NM_001318521.2, NM_001318523.1, NM_006733.3); short protein forms A479V.
Identifiers: ClinVar variation 4868720 (VCV004868720.1).

ClinVar aggregate classification (germline): Uncertain significance (1 of 4 stars; one submission).

gnomAD v4.1: 11 of 1,208,063 alleles (0.00091%); highest among the groups gnomAD compares: African/African-American, 0.01%; no homozygotes.

Submission:

Ambry Genetics
Classification: Uncertain significance. Last evaluated: 2026-04-01. Review status: criteria provided, single submitter. Criteria: Ambry Variant Classification Scheme 2023. Collection method: clinical testing. Allele origin: germline.
Comment: The c.1436C>T (p.A479V) alteration is located in exon 14 (coding exon 13) of the CENPI gene. This alteration results from a C to T substitution at nucleotide position 1436, causing the alanine (A) at amino acid position 479 to be replaced by a valine (V). Based on data from gnomAD, the T allele has an overall frequency of 0.001% (2/203594) total alleles studied. The highest observed frequency was 0.011% (2/18998) of African alleles. Based on insufficient or conflicting evidence, the clinical significance of this alteration remains unclear.